The following is an entry in ClinVar:

ClinVar aggregate classification (germline): Benign/Likely benign. Review status: criteria provided, multiple submitters, no conflicts (2 of 4 stars). 3 submissions from 3 submitters: Benign (1); Likely benign (2). Last evaluated 2025-06-07.

Conditions:
Hereditary cancer-predisposing syndrome. Also called: Tumor predisposition; Neoplastic Syndromes, Hereditary; Hereditary Cancer Syndrome; Hereditary neoplastic syndrome. Identifiers: Orphanet 140162, MedGen C0027672, MeSH D009386, MONDO:0015356.
Oligodontia-cancer predisposition syndrome. Also called: TOOTH AGENESIS-COLORECTAL CANCER SYNDROME. Identifiers: Orphanet 300576, MedGen C1837750, MONDO:0012075, OMIM 608615. Disease mechanism: loss of function.

gnomAD v4.1: 3 of 1,599,888 alleles (0.00019%); highest among the groups gnomAD compares: African/African-American, 0.0013%; no homozygotes.

Submissions (3):

Labcorp Genetics (formerly Invitae), Labcorp
Classification: Likely benign for Oligodontia-cancer predisposition syndrome. Last evaluated: 2025-06-07. Review status: criteria provided, single submitter. Criteria: Invitae Variant Classification Sherloc (09022015). Collection method: clinical testing. Allele origin: germline.

Myriad Genetics, Inc.
Classification: Benign for Oligodontia-cancer predisposition syndrome. Last evaluated: 2024-07-03. Review status: criteria provided, single submitter. Criteria: Myriad Autosomal Dominant, Autosomal Recessive and X-Linked Classification Criteria (2023). Collection method: clinical testing. Allele origin: unknown.
Comment: This variant is considered benign. This variant is a silent/synonymous amino acid change and it is not expected to impact splicing.

Ambry Genetics
Classification: Likely benign for Hereditary cancer-predisposing syndrome. Last evaluated: 2020-09-26. Review status: criteria provided, single submitter. Criteria: Ambry Variant Classification Scheme 2023. Collection method: clinical testing. Allele origin: germline.

NM_004655.4(AXIN2):c.1425G>A (p.Ser475=)

Gene: AXIN2 (axin 2; minus strand). Cytogenetic location: 17q24.1.
Variant type: single nucleotide variant.
Coding change: c.1425G>A on transcript NM_004655.4 (MANE Select); coding-DNA position 1425, G replaced by A.
Protein change: p.Ser475=; no amino-acid change (serine 475 retained).
Molecular consequence: synonymous variant.
Genome position (GRCh38, 1-based): chr17:65,537,611, C>T on the plus strand (G>A on the coding strand, the complement: AXIN2 is on the minus strand). VCF-style: chr17-65537611-C-T. GRCh37 (hg19) VCF-style: chr17-63533729-C-T.
Other names: c.1425G>A, p.Ser475= (NM_001363813.1).
Identifiers: ClinVar variation 761845 (VCV000761845.11), dbSNP rs1321803175, ClinGen allele CA501691689.